The following is an entry in ClinVar:

ClinVar aggregate classification (germline): Uncertain significance (1 of 4 stars; one submission).

Conditions:
Glycogen storage disease IXd (GSD9D). Also called: GSD IXd; Muscle Phosphorylase Kinase Deficiency. Identifiers: Orphanet 715, MedGen C1845151, MONDO:0010362, OMIM 300559.

Allele frequency attached by ClinVar (database versions not stated): gnomAD exomes 0.00001; TOPMed 0.00001; gnomAD 0.00003; ExAC 0.00004; ESP Exome Variant Server 0.00009.
gnomAD v4.1: 9 of 1,205,282 alleles (0.00075%); highest among the groups gnomAD compares: African/African-American, 0.0035%; no homozygotes.

Submission:

Labcorp Genetics (formerly Invitae), Labcorp
Classification: Uncertain significance for Glycogen storage disease IXd. Last evaluated: 2025-07-06. Review status: criteria provided, single submitter. Criteria: Invitae Variant Classification Sherloc (09022015). Collection method: clinical testing. Allele origin: germline.
Comment: This sequence change replaces arginine, which is basic and polar, with glutamine, which is neutral and polar, at codon 827 of the PHKA1 protein (p.Arg827Gln). This variant is present in population databases (rs370717042, gnomAD 0.01%). This variant has not been reported in the literature in individuals affected with PHKA1-related conditions. ClinVar contains an entry for this variant (Variation ID: 1434214). Invitae Evidence Modeling of protein sequence and biophysical properties (such as structural, functional, and spatial information, amino acid conservation, physicochemical variation, residue mobility, and thermodynamic stability) indicates that this missense variant is expected to disrupt PHKA1 protein function with a positive predictive value of 80%. In summary, the available evidence is currently insufficient to determine the role of this variant in disease. Therefore, it has been classified as a Variant of Uncertain Significance.

NM_002637.4(PHKA1):c.2480G>A (p.Arg827Gln)

Gene: PHKA1 (phosphorylase kinase regulatory subunit alpha 1; minus strand). Cytogenetic location: Xq13.1.
Variant type: single nucleotide variant.
Coding change: c.2480G>A on transcript NM_002637.4 (MANE Select); coding-DNA position 2480, G replaced by A.
Protein change: p.Arg827Gln; replaces arginine 827 with glutamine.
Molecular consequence: missense variant.
Genome position (GRCh38, 1-based): chrX:72,611,074, C>T on the plus strand (G>A on the coding strand, the complement: PHKA1 is on the minus strand). VCF-style: chrX-72611074-C-T. GRCh37 (hg19) VCF-style: chrX-71830924-C-T.
Other names: c.2480G>A, p.Arg827Gln (NM_001122670.2); c.2303G>A, p.Arg768Gln (NM_001172436.2); short protein forms R768Q, R827Q.
Identifiers: ClinVar variation 1434214 (VCV001434214.6), dbSNP rs370717042, ClinGen allele CA10450683.